The following is an entry in ClinVar:

NM_001128840.3(CACNA1D):c.3314C>T (p.Ala1105Val)

Gene: CACNA1D (calcium voltage-gated channel subunit alpha1 D; plus strand). Cytogenetic location: 3p21.1.
Variant type: single nucleotide variant.
Coding change: c.3314C>T on transcript NM_001128840.3 (MANE Select); coding-DNA position 3314, C replaced by T.
Protein change: p.Ala1105Val; replaces alanine 1105 with valine.
Molecular consequence: missense variant.
Genome position (GRCh38, 1-based): chr3:53,747,448, C>T. VCF-style: chr3-53747448-C-T. GRCh37 (hg19) VCF-style: chr3-53781475-C-T.
Other names: p.Ala1125Val; c.3374C>T, p.Ala1125Val (NM_000720.4); c.3314C>T, p.Ala1105Val (NM_001128839.3); short protein forms A1125V, A1105V.
Identifiers: ClinVar variation 1982182 (VCV001982182.5), dbSNP rs775480398, ClinGen allele CA2454514.

ClinVar aggregate classification (germline): Uncertain significance. Review status: criteria provided, multiple submitters, no conflicts (2 of 4 stars). 2 submissions from 2 submitters: Uncertain significance (2). Last evaluated 2025-12-29.

Allele frequency attached by ClinVar (database versions not stated): TOPMed 0.00002; gnomAD 0.00003.
gnomAD v4.1: 32 of 1,614,010 alleles (0.002%); highest among the groups gnomAD compares: Non-Finnish European, 0.0024%; no homozygotes.

Submissions (2):

Labcorp Genetics (formerly Invitae), Labcorp
Classification: Uncertain significance. Last evaluated: 2025-12-29. Review status: criteria provided, single submitter. Criteria: Invitae Variant Classification Sherloc (09022015). Collection method: clinical testing. Allele origin: germline.
Comment: This sequence change replaces alanine, which is neutral and non-polar, with valine, which is neutral and non-polar, at codon 1125 of the CACNA1D protein (p.Ala1125Val). This variant is present in population databases (rs775480398, gnomAD 0.007%). This variant has not been reported in the literature in individuals affected with CACNA1D-related conditions. ClinVar contains an entry for this variant (Variation ID: 1982182). An algorithm developed to predict the effect of missense changes on protein structure and function (PolyPhen-2) suggests that this variant is likely to be tolerated. In summary, the available evidence is currently insufficient to determine the role of this variant in disease. Therefore, it has been classified as a Variant of Uncertain Significance.

Mayo Clinic Laboratories, Mayo Clinic
Classification: Uncertain significance. Last evaluated: 2025-06-20. Review status: criteria provided, single submitter. Criteria: ACMG Guidelines, 2015. Collection method: clinical testing. Allele origin: germline. Observed: 1 variant allele.